The following is an entry in ClinVar:

ClinVar aggregate classification (germline): Uncertain significance. Review status: criteria provided, single submitter (1 of 4 stars). 2 submissions from 2 submitters: Uncertain significance (1). 1 of the submissions does not count toward it. Last evaluated 2024-08-17.

Allele frequency attached by ClinVar (database versions not stated): gnomAD exomes 0.00002 and 0.00001; ExAC 0.00002.
gnomAD v4.1: 33 of 1,614,188 alleles (0.002%); highest among the groups gnomAD compares: South Asian, 0.035%; 1 homozygote.

Submissions (2):

Labcorp Genetics (formerly Invitae), Labcorp
Classification: Uncertain significance. Last evaluated: 2024-08-17. Review status: criteria provided, single submitter. Criteria: Invitae Variant Classification Sherloc (09022015). Collection method: clinical testing. Allele origin: germline.
Comment: This sequence change replaces leucine, which is neutral and non-polar, with phenylalanine, which is neutral and non-polar, at codon 551 of the TNFAIP3 protein (p.Leu551Phe). This variant is present in population databases (rs587778712, gnomAD 0.006%). This variant has not been reported in the literature in individuals affected with TNFAIP3-related conditions. ClinVar contains an entry for this variant (Variation ID: 135339). An algorithm developed to predict the effect of missense changes on protein structure and function (PolyPhen-2) suggests that this variant is likely to be tolerated. In summary, the available evidence is currently insufficient to determine the role of this variant in disease. Therefore, it has been classified as a Variant of Uncertain Significance.

ITMI
No classification provided. Condition: AllHighlyPenetrant. Last evaluated: 2013-09-19. Review status: no classification provided. Collection method: reference population. Allele origin: germline. Not counted in ClinVar's aggregate classification.
Comment: Please see associated publication for description of ethnicities

Literature cited by the submitters: PubMed 24728327 (cited by ITMI).

NM_001270508.2(TNFAIP3):c.1651C>T (p.Leu551Phe)

Gene: TNFAIP3 (TNF alpha induced protein 3; plus strand). Cytogenetic location: 6q23.3.
Variant type: single nucleotide variant.
Coding change: c.1651C>T on transcript NM_001270508.2 (MANE Select); coding-DNA position 1651, C replaced by T.
Protein change: p.Leu551Phe; replaces leucine 551 with phenylalanine.
Molecular consequence: missense variant.
Genome position (GRCh38, 1-based): chr6:137,879,096, C>T. VCF-style: chr6-137879096-C-T. GRCh37 (hg19) VCF-style: chr6-138200233-C-T.
Other names: c.1651C>T, p.Leu551Phe (NM_001270507.2, NM_006290.4); short protein forms L551F.
Identifiers: ClinVar variation 135339 (VCV000135339.6), dbSNP rs587778712, ClinGen allele CA162425.
Genomic context (GRCh38, chr6:137,879,096, plus strand): 5'-ACATTTAATGGGATCTGCAGTACTTGCTTCAAAAGGACTACAGCAGAGGCCTCCTCCAGC[C>T]TCAGCACCAGCCTCCCTCCTTCCTGTCACCAGCGTTCCAAGTCAGATCCCTCGCGGCTCG-3'
Protein context (NP_001257437.1, residues 541-561): KRTTAEASSS[Leu551Phe]STSLPPSCHQ